The following is an entry in ClinVar:

NM_002294.3(LAMP2):c.1093+2589C>T

Gene: LAMP2 (lysosome associated membrane protein 2; minus strand). Cytogenetic location: Xq24.
Variant type: single nucleotide variant.
Coding change: c.1093+2589C>T on transcript NM_002294.3 (MANE Select); 2589 bases into the intron after coding-DNA position 1093, C replaced by T.
Molecular consequence: intron variant. On other transcripts: 3 prime UTR variant (1).
Genome position (GRCh38, 1-based): chrX:120,439,141, G>A on the plus strand (C>T on the coding strand, the complement: LAMP2 is on the minus strand). VCF-style: chrX-120439141-G-A. GRCh37 (hg19) VCF-style: chrX-119572996-G-A.
Other names: c.*13C>T (NM_013995.2); c.1093+2589C>T (NM_001122606.1).
Identifiers: ClinVar variation 179017 (VCV000179017.5), dbSNP rs377303143, ClinGen allele CA183511.
Genomic context (GRCh38, chrX:120,439,141, plus strand): 5'-GTTGACCAGTATTGCATGTTGGAACTTGTACTTGCTTTTTTCTTTTGTAACAGAGATCAC[G>A]TATTGATTAGTGTTACAGAGTCTGATATCCAGCATAACTTTTTCTTCTGCCAATTACGTA-3'

ClinVar aggregate classification (germline): Benign/Likely benign. Review status: criteria provided, multiple submitters, no conflicts (2 of 4 stars). 3 submissions from 3 submitters: Benign (1); Likely benign (2). Last evaluated 2023-10-20.

Allele frequency attached by ClinVar (database versions not stated): TOPMed 0.00002; ExAC 0.00003; gnomAD 0.00004 and 0.00005; gnomAD exomes 0.00004 and 0.00005; ESP Exome Variant Server 0.00009.
gnomAD v4.1: 54 of 1,207,309 alleles (0.0045%); highest among the groups gnomAD compares: Non-Finnish European, 0.0054%; no homozygotes.

Submissions (3):

Blueprint Genetics
Classification: Likely benign. Last evaluated: 2023-10-20. Review status: criteria provided, single submitter. Criteria: ACMG Guidelines, 2015. Collection method: clinical testing. Allele origin: germline.

GeneDx
Classification: Benign. Last evaluated: 2017-05-15. Review status: criteria provided, single submitter. Criteria: GeneDx Variant Classification (06012015). Collection method: clinical testing. Allele origin: germline. Affected: yes.
Comment: This variant is considered likely benign or benign based on one or more of the following criteria: it is a conservative change, it occurs at a poorly conserved position in the protein, it is predicted to be benign by multiple in silico algorithms, and/or has population frequency not consistent with disease.

Laboratory for Molecular Medicine, Mass General Brigham Personalized Medicine
Classification: Likely benign. Last evaluated: 2013-11-21. Review status: criteria provided, single submitter. Criteria: LMM Criteria. Collection method: clinical testing. Allele origin: germline. Observed: 1 variant allele.
Comment: *13C>T in the 3' UTR of LAMP2: This variant is not expected to have clinical sig nificance because it is not located within the splice consensus sequence. It ha s been identified in 1/6728 European American chromosomes by the NHLBI Exome Seq uencing Project (dbSNP rs377303143). *13C>T in the 3' UTR of LAMP2 (rs377303143, allele frequency = 1/6728) **